The following is an entry in ClinVar:

ClinVar aggregate classification (germline): Pathogenic/Likely pathogenic. Review status: criteria provided, multiple submitters, no conflicts (2 of 4 stars). 7 submissions from 7 submitters: Pathogenic (4); Likely pathogenic (3). Last evaluated 2025-08-29.

Conditions:
Childhood hypophosphatasia. Identifiers: Orphanet 247667, Orphanet 436, MedGen C0220743, MONDO:1010168, OMIM 241510, MONDO:0009428.
Infantile hypophosphatasia. Identifiers: Orphanet 247651, Orphanet 436, MedGen C0268412, MONDO:1010169, OMIM 241500, MONDO:0009427.
Adult hypophosphatasia. Identifiers: Orphanet 247676, Orphanet 436, MedGen C0268413, MONDO:1010154, OMIM 146300, MONDO:0007798.
ALPL-related disorder. Also called: ALPL-related disorders; ALPL-related condition.
Hypophosphatasia. Also called: Phosphoethanol-aminuria. Identifiers: Orphanet 436, MedGen C0020630, MeSH D007014, MONDO:0018570.

Allele frequency attached by ClinVar (database versions not stated): TOPMed 0.00002.
gnomAD v4.1: 16 of 1,614,068 alleles (0.00099%); highest among the groups gnomAD compares: Admixed American, 0.012%; no homozygotes.

Submissions (7):

Genomenon, Inc
Classification: Likely pathogenic for Hypophosphatasia. Last evaluated: 2025-08-29. Review status: criteria provided, single submitter. Criteria: Genomenon Sequence Variant Interpretation Standards. Collection method: curation. Allele origin: germline. Affected: yes.
Comment: ALPL p.Ile359Met (c.1077C>G) is a missense variant that changes the amino acid at residue 359 from Isoleucine to Methionine. This variant has been observed in at least one proband affected with hypophosphatasia (PMID:25100374;32758526;29808151). Functional studies have been reported;however, the significance of the findings remain unclear (PMID:36053890). It is absent or not present at a significant frequency in gnomAD. In silico models agree that this variant is possibly or probably damaging. In conclusion, we classify ALPL p.Ile359Met (c.1077C>G) as a likely pathogenic variant.

PreventionGenetics, part of Exact Sciences
Classification: Pathogenic for ALPL-related condition. Last evaluated: 2025-03-21. Review status: criteria provided, single submitter. Criteria: ACMG Guidelines, 2015. Collection method: clinical testing. Allele origin: germline.
Comment: The ALPL c.1077C>G variant is predicted to result in the amino acid substitution p.Ile359Met. This variant has been reported in the homozygous and compound heterozygous states in multiple patients with ALPL-related autosomal recessive disorders, and functional studies support its pathogenicity (Whyte et al. 2012. PubMed ID: 22397652; Ukarapong et al. 2014. PubMed ID: 25100374; Rush et al. 2021. PubMed ID: 34633109, supplementary table 2; Kramer et al. 2021. PubMed ID: 33160095; Williams et al. 2018. PubMed ID: 30446691). This variant is reported in 0.011% of alleles in individuals of Latino descent in gnomAD. This variant is interpreted as pathogenic.

Natera, Inc.
Classification: Likely pathogenic for Hypophosphatasia. Last evaluated: 2024-12-18. Review status: criteria provided, single submitter. Criteria: Natera Variant Classification Schema (03/2026). Collection method: clinical testing. Allele origin: germline.
Comment: The c.1077C>G variant in ALPL is a missense variant predicted to cause substitution of isoleucine to methionine at amino acid 359. This variant is rare in the general population with a frequency below the threshold expected for the associated phenotype(s). This variant has been observed in one or more individuals affected with the associated recessive disease, as either homozygous or compound heterozygous with a second variant (PMID: 25100374, 22397652, 33160095, 29808151). Functional studies show that this variant may disrupt protein function (PMID: 30446691, 36053890). Computational prediction algorithms indicate this variant is likely to affect gene or protein function. Given the available evidence, this variant is classified as Likely Pathogenic.

Women's Health and Genetics/Laboratory Corporation of America, LabCorp
Classification: Pathogenic for Hypophosphatasia. Last evaluated: 2024-12-16. Review status: criteria provided, single submitter. Criteria: LabCorp Variant Classification Summary - May 2015. Collection method: clinical testing. Allele origin: germline.
Comment: Variant summary: ALPL c.1077C>G (p.Ile359Met) results in a conservative amino acid change in the encoded protein sequence. Three of five in-silico tools predict a damaging effect of the variant on protein function. The variant allele was found at a frequency of 2e-05 in 251480 control chromosomes (gnomAD). c.1077C>G has been reported in the literature in individuals affected with Hypophosphatasia (Whyte_2012, Ukarapong_2014, Kramer_2020, Rush_2021). These data indicate that the variant is likely to be associated with disease. At least one publication reports experimental evidence evaluating an impact on protein function and this variant disrupts protein function (Williams_2018). The following publications have been ascertained in the context of this evaluation (PMID: 33160095, 34633109, 25100374, 22397652, 30446691). ClinVar contains an entry for this variant (Variation ID: 940683). Based on the evidence outlined above, the variant was classified as pathogenic.

Fulgent Genetics
Classification: Pathogenic for Adult hypophosphatasia; Infantile hypophosphatasia; Childhood hypophosphatasia. Last evaluated: 2024-06-03. Review status: criteria provided, single submitter. Criteria: ACMG Guidelines, 2015. Collection method: clinical testing. Allele origin: germline.

Labcorp Genetics (formerly Invitae), Labcorp
Classification: Pathogenic. Last evaluated: 2024-05-12. Review status: criteria provided, single submitter. Criteria: Invitae Variant Classification Sherloc (09022015). Collection method: clinical testing. Allele origin: germline.
Comment: This sequence change replaces isoleucine, which is neutral and non-polar, with methionine, which is neutral and non-polar, at codon 359 of the ALPL protein (p.Ile359Met). This variant is present in population databases (no rsID available, gnomAD 0.01%). This missense change has been observed in individual(s) with hypophosphatasia (PMID: 22397652, 25100374; Invitae). In at least one individual the data is consistent with being in trans (on the opposite chromosome) from a pathogenic variant. ClinVar contains an entry for this variant (Variation ID: 940683). Advanced modeling of protein sequence and biophysical properties (such as structural, functional, and spatial information, amino acid conservation, physicochemical variation, residue mobility, and thermodynamic stability) performed at Invitae indicates that this missense variant is expected to disrupt ALPL protein function with a positive predictive value of 95%. Experimental studies have shown that this missense change affects ALPL function (PMID: 30446691). For these reasons, this variant has been classified as Pathogenic.

Baylor Genetics
Classification: Likely pathogenic for Adult hypophosphatasia. Last evaluated: 2024-03-17. Review status: criteria provided, single submitter. Criteria: ACMG Guidelines, 2015. Collection method: clinical testing. Allele origin: unknown.

Literature cited by the submitters: PubMed 25100374 (cited by 4 submitters); PubMed 32758526 (cited by Genomenon, Inc); PubMed 29808151 (cited by Genomenon, Inc and Natera, Inc.); PubMed 36053890 (cited by Genomenon, Inc and Natera, Inc.); PubMed 22397652 (cited by 3 submitters); PubMed 33160095 (cited by Natera, Inc. and Women's Health and Genetics/Laboratory Corporation of America, LabCorp); PubMed 30446691 (cited by 3 submitters); PubMed 34633109 (cited by Women's Health and Genetics/Laboratory Corporation of America, LabCorp).

NM_000478.6(ALPL):c.1077C>G (p.Ile359Met)

Gene: ALPL (alkaline phosphatase, biomineralization associated; plus strand). Cytogenetic location: 1p36.12.
Variant type: single nucleotide variant.
Coding change: c.1077C>G on transcript NM_000478.6 (MANE Select); coding-DNA position 1077, C replaced by G.
Protein change: p.Ile359Met; replaces isoleucine 359 with methionine.
Molecular consequence: missense variant.
Genome position (GRCh38, 1-based): chr1:21,575,812, C>G. VCF-style: chr1-21575812-C-G. GRCh37 (hg19) VCF-style: chr1-21902305-C-G.
Other names: c.912C>G, p.Ile304Met (NM_001127501.4); c.846C>G, p.Ile282Met (NM_001177520.3); c.1077C>G, p.Ile359Met (NM_001369803.2, NM_001369804.2, NM_001369805.2); short protein forms I282M, I304M, I359M.
Identifiers: ClinVar variation 940683 (VCV000940683.18), dbSNP rs567349821, ClinGen allele CA338881183.
Genomic context (GRCh38, chr1:21,575,812, plus strand): 5'-GCACCATGAAGGAAAAGCCAAGCAGGCCCTGCATGAGGCGGTGGAGATGGACCGGGCCAT[C>G]GGGCAGGCAGGCAGCTTGACCTCCTCGGAAGACACTCTGACCGTGGTCACTGCGGACCAT-3'
Protein context (NP_000469.3, residues 349-369): LHEAVEMDRA[Ile359Met]GQAGSLTSSE